The following is an entry in ClinVar:

ClinVar aggregate classification (germline): Likely benign (1 of 4 stars; one submission).

Submission:

CeGaT Center for Human Genetics Tuebingen
Classification: Likely benign. Last evaluated: 2024-10-01. Review status: criteria provided, single submitter. Criteria: CeGaT Center For Human Genetics Tuebingen Variant Classification Criteria Version 2. Collection method: clinical testing. Allele origin: germline. Affected: yes. Observed: 1 variant allele.
Comment: HRNR: BP4, BP7

NM_001009931.3(HRNR):c.5160C>T (p.Ser1720=)

Genes: CCDST (cervical cancer associated DHX9 suppressive transcript; plus strand), HRNR (hornerin; minus strand). Cytogenetic location: 1q21.3.
Variant type: single nucleotide variant.
Coding change: c.5160C>T on transcript NM_001009931.3 (MANE Select); coding-DNA position 5160, C replaced by T.
Protein change: p.Ser1720=; no amino-acid change (serine 1720 retained).
Molecular consequence: synonymous variant.
Genome position (GRCh38, 1-based): chr1:152,216,469, G>A on the plus strand (C>T on the coding strand, the complement: HRNR is on the minus strand). VCF-style: chr1-152216469-G-A. GRCh37 (hg19) VCF-style: chr1-152188945-G-A.
Identifiers: ClinVar variation 3388236 (VCV003388236.14).
Genomic context (GRCh38, chr1:152,216,469, plus strand): 5'-GCTGGAAGAACGACCTGAGCCAGACCCATGTTGGCCGTGGCTGGAGGAGTGCCCCAAACC[G>A]GACCCATGTCGGCCGCGGCTAGGGGACTGGCCAGATCCAGACCCTTGTCGGCCGTGGCCC-3'
Protein context (NP_001009931.1, residues 1710-1730): GQSPSRGRHG[Ser1720=]GLGHSSSHGQ